The following is an entry in ClinVar:

NM_018489.3(ASH1L):c.4546C>T (p.Arg1516Cys)

Gene: ASH1L (ASH1 like histone lysine methyltransferase; minus strand). Cytogenetic location: 1q22.
Variant type: single nucleotide variant.
Coding change: c.4546C>T on transcript NM_018489.3 (MANE Select); coding-DNA position 4546, C replaced by T.
Protein change: p.Arg1516Cys; replaces arginine 1516 with cysteine.
Molecular consequence: missense variant.
Genome position (GRCh38, 1-based): chr1:155,478,324, G>A on the plus strand (C>T on the coding strand, the complement: ASH1L is on the minus strand). VCF-style: chr1-155478324-G-A. GRCh37 (hg19) VCF-style: chr1-155448115-G-A.
Other names: c.4546C>T, p.Arg1516Cys (NM_001366177.2); short protein forms R1516C.
Identifiers: ClinVar variation 1805424 (VCV001805424.1), dbSNP rs1002567758, ClinGen allele CA30912633.

ClinVar aggregate classification (germline): Uncertain significance (1 of 4 stars; one submission).

Conditions:
Intellectual developmental disorder, autosomal dominant 52. Also called: Intellectual disability, autosomal dominant 52; Mental retardation, autosomal dominant 52. Identifiers: MedGen C4540478, MONDO:0030918, OMIM 617796.

Allele frequency attached by ClinVar (database versions not stated): gnomAD exomes 0.00001; TOPMed 0.00001; gnomAD 0.00001.
gnomAD v4.1: 16 of 1,613,908 alleles (0.00099%); highest among the groups gnomAD compares: East Asian, 0.0045%; no homozygotes.

Submission:

Victorian Clinical Genetics Services, Murdoch Childrens Research Institute
Classification: Uncertain significance for Intellectual developmental disorder, autosomal dominant 52. Last evaluated: 2022-02-02. Review status: criteria provided, single submitter. Criteria: ACMG Guidelines, 2015. Collection method: clinical testing. Allele origin: germline. Inheritance: Autosomal dominant inheritance. Affected: yes.
Comment: Based on the classification scheme VCGS_Germline_v1.3.4, this variant is classified as VUS-3B. Following criteria are met: 0102 - Loss of function is a known mechanism of disease in this gene and is associated with ASH1L-related intellectual disability (MIM#617796). (I) 0107 - This gene is associated with autosomal dominant disease. (I) 0200 - Variant is predicted to result in a missense amino acid change from arginine to cysteine. (I) 0251 - This variant is heterozygous. (I) 0302 - Variant is present in gnomAD (v3) <0.001 for a dominant condition (1 heterozygote, 0 homozygotes). (SP) 0309 - An alternative amino acid change at the same position has been observed in gnomAD (v2) (2 heterozygotes, 0 homozygotes). (I) 0501 - Missense variant consistently predicted to be damaging by multiple in silico tools or highly conserved with a major amino acid change. (SP) 0604 - Variant is not located in an established domain, motif, hotspot or informative constraint region. (I) 0705 - No comparable missense variants have previous evidence for pathogenicity. (I) 0809 - Previous evidence of pathogenicity for this variant is inconclusive. This variant has been observed in one individual with an autism spectrum disorder; however, it was inherited from a parent whose clinical status was not reported (PMID: 25363760). (I) 0906 - Segregation evidence for this variant is inconclusive. This variant was inherited from a parent whose clinical status was not reported (PMID: 25363760) (I) 1007 - No published functional evidence has been identified for this variant. (SP) Legend: (SP) - Supporting pathogenic, (I) - Information, (SB) - Supporting benign

Literature cited by the submitters: PubMed 25363760.